The following is an entry in ClinVar:

NM_017433.5(MYO3A):c.1501del (p.Ala500_Val501insTer)

Gene: MYO3A (myosin IIIA; plus strand). Cytogenetic location: 10p12.1.
Variant type: Deletion.
Coding change: c.1501del on transcript NM_017433.5 (MANE Select); coding-DNA position 1501, one base deleted (G; older notation c.1501delG).
Protein change: p.Ala500_Val501insTer.
Molecular consequence: nonsense.
Genome position (GRCh38, 1-based): chr10:26,088,344, G deleted; the last of 2 consecutive G bases (chr10:26,088,343-26,088,344); deleting either gives the same sequence. VCF-style (leftmost placement, unchanged base first): chr10-26088342-CG-C. GRCh37 (hg19) VCF-style: chr10-26377271-CG-C.
Other names: c.1501del (NM_017433.4).
Identifiers: ClinVar variation 3572494 (VCV003572494.1), dbSNP rs771183577.

ClinVar aggregate classification (germline): Uncertain significance (1 of 4 stars; one submission).

Submission:

GeneDx
Classification: Uncertain significance. Last evaluated: 2024-07-09. Review status: criteria provided, single submitter. Criteria: GeneDx Variant Classification Process June 2021. Collection method: clinical testing. Allele origin: germline. Affected: yes.
Comment: Nonsense variant predicted to result in protein truncation or nonsense mediated decay in a gene for which loss-of-function is a known mechanism of disease; Has not been previously published as pathogenic or benign to our knowledge